The following is an entry in ClinVar:

ClinVar aggregate classification (germline): Pathogenic (1 of 4 stars; one submission).

Conditions:
Alstrom syndrome (ALMS). Identifiers: Orphanet 64, MedGen C0268425, MONDO:0008763, OMIM 203800.

Submission:

Labcorp Genetics (formerly Invitae), Labcorp
Classification: Pathogenic for Alstrom syndrome. Last evaluated: 2025-04-10. Review status: criteria provided, single submitter. Criteria: Invitae Variant Classification Sherloc (09022015). Collection method: clinical testing. Allele origin: germline.
Comment: This sequence change creates a premature translational stop signal (p.Glu721Serfs*58) in the ALMS1 gene. It is expected to result in an absent or disrupted protein product. Loss-of-function variants in ALMS1 are known to be pathogenic (PMID: 17594715). This variant is not present in population databases (gnomAD no frequency). This variant has not been reported in the literature in individuals affected with ALMS1-related conditions. ClinVar contains an entry for this variant (Variation ID: 2145221). For these reasons, this variant has been classified as Pathogenic.

Literature cited by the submitters: PubMed 17594715.

NM_001378454.1(ALMS1):c.2158_2161del (p.Glu720fs)

Gene: ALMS1 (ALMS1 centrosome and basal body associated protein; plus strand). Cytogenetic location: 2p13.1.
Variant type: Microsatellite.
Coding change: c.2158_2161del on transcript NM_001378454.1 (MANE Select); coding-DNA positions 2158 to 2161, 4 bases deleted (GAGA; older notation c.2158_2161delGAGA).
Protein change: p.Glu720fs; shifts the reading frame from glutamic acid 720.
Molecular consequence: frameshift variant.
Genome position (GRCh38, 1-based): chr2:73,448,685-73,448,688, GAGA deleted; deleting any 4 consecutive bases within chr2:73,448,682-73,448,688 gives the same sequence; the c. name uses the placement nearest the transcript's 3' end. VCF-style (leftmost placement, unchanged base first): chr2-73448681-TAGAG-T. GRCh37 (hg19) VCF-style: chr2-73675808-TAGAG-T.
Other names: c.2161_2164del, p.Glu721fs (NM_015120.4); short protein forms E720fs, E721fs.
Identifiers: ClinVar variation 2145221 (VCV002145221.4), dbSNP rs1558647785, ClinGen allele CA916566752.